The following is an entry in ClinVar:

ClinVar aggregate classification (germline): Pathogenic (1 of 4 stars; one submission).

Conditions:
Neurofibromatosis, type 2 (SWNV). Also called: BILATERAL ACOUSTIC NEUROFIBROMATOSIS; NF2-Related Schwannomatosis; SCHWANNOMATOSIS, VESTIBULAR. Identifiers: Orphanet 637, MedGen C0027832, MONDO:0007039, OMIM 101000. Disease mechanism: loss of function.

Submission:

Labcorp Genetics (formerly Invitae), Labcorp
Classification: Pathogenic for Neurofibromatosis, type 2. Last evaluated: 2024-10-08. Review status: criteria provided, single submitter. Criteria: Invitae Variant Classification Sherloc (09022015). Collection method: clinical testing. Allele origin: germline.
Comment: This sequence change affects a donor splice site in intron 4 of the NF2 gene. It is expected to disrupt RNA splicing. Variants that disrupt the donor or acceptor splice site typically lead to a loss of protein function (PMID: 16199547), and loss-of-function variants in NF2 are known to be pathogenic (PMID: 9643284, 16983642). This variant is not present in population databases (gnomAD no frequency). Disruption of this splice site has been observed in individuals with bilateral vestibular schwannomas (PMID: 16983642, 30250447). Algorithms developed to predict the effect of sequence changes on RNA splicing suggest that this variant may disrupt the consensus splice site. For these reasons, this variant has been classified as Pathogenic.

Literature cited by the submitters: PubMed 16199547; PubMed 9643284; PubMed 16983642; PubMed 30250447.

NM_000268.4(NF2):c.447+1G>A

Gene: NF2 (NF2, moesin-ezrin-radixin like (MERLIN) tumor suppressor; plus strand). Cytogenetic location: 22q12.2.
Variant type: single nucleotide variant.
Coding change: c.447+1G>A on transcript NM_000268.4 (MANE Select); the canonical splice donor site of the intron after coding-DNA position 447, G replaced by A.
Molecular consequence: splice donor variant.
Genome position (GRCh38, 1-based): chr22:29,642,286, G>A. VCF-style: chr22-29642286-G-A. GRCh37 (hg19) VCF-style: chr22-30038275-G-A.
Other names: c.447+1G>A (NM_016418.5, NM_181832.3, NM_001407060.1 and 5 more transcripts); c.333+1G>A (NM_001407056.1, NM_001407053.1); c.216+1G>A (NM_001407067.1); c.-194+1G>A (NM_001407065.1); c.324+1G>A (NM_001407058.1, NM_181829.3, NM_001407054.1 and 1 more transcripts); c.321+1G>A (NM_181828.3, NM_001407055.1); c.198+1G>A (NM_001407063.1, NM_181830.3, NM_001407064.1 and 1 more transcripts).
Identifiers: ClinVar variation 3723943 (VCV003723943.2).